The following is an entry in ClinVar:

ClinVar aggregate classification (germline): Uncertain significance. Review status: criteria provided, multiple submitters, no conflicts (2 of 4 stars). 2 submissions from 2 submitters: Uncertain significance (2). Last evaluated 2024-03-26.

Conditions:
Inborn genetic diseases. Identifiers: MedGen C0950123, MeSH D030342.
Neuropathy, hereditary sensory and autonomic, type 2A (HSAN2A). Also called: ACROOSTEOLYSIS, GIACCAI TYPE; ACROOSTEOLYSIS, NEUROGENIC; WNK1-Related HSAN2 (HSAN2A); HSAN IIA; MORVAN DISEASE; NEUROPATHY, CONGENITAL SENSORY. Identifiers: Orphanet 970, MedGen C2752089, MONDO:0024309, OMIM 201300.
Pseudohypoaldosteronism type 2C (PHA2C). Also called: Pseudohypoaldosteronism Type IIC. Identifiers: Orphanet 757, Orphanet 88940, MedGen C1840391, MONDO:0013778, OMIM 614492.

Submissions (2):

Labcorp Genetics (formerly Invitae), Labcorp
Classification: Uncertain significance for Neuropathy, hereditary sensory and autonomic, type 2A; Pseudohypoaldosteronism type 2C. Last evaluated: 2024-03-26. Review status: criteria provided, single submitter. Criteria: Invitae Variant Classification Sherloc (09022015). Collection method: clinical testing. Allele origin: germline.
Comment: This sequence change replaces serine, which is neutral and polar, with phenylalanine, which is neutral and non-polar, at codon 1193 of the WNK1 protein (p.Ser1193Phe). This variant is not present in population databases (gnomAD no frequency). This variant has not been reported in the literature in individuals affected with WNK1-related conditions. ClinVar contains an entry for this variant (Variation ID: 951201). Advanced modeling of protein sequence and biophysical properties (such as structural, functional, and spatial information, amino acid conservation, physicochemical variation, residue mobility, and thermodynamic stability) performed at Invitae indicates that this missense variant is not expected to disrupt WNK1 protein function with a negative predictive value of 95%. In summary, the available evidence is currently insufficient to determine the role of this variant in disease. Therefore, it has been classified as a Variant of Uncertain Significance.

Ambry Genetics
Classification: Uncertain significance for Inborn genetic diseases. Last evaluated: 2020-01-20. Review status: criteria provided, single submitter. Criteria: Ambry Variant Classification Scheme 2023. Collection method: clinical testing. Allele origin: germline.
Comment: The p.S1193F variant (also known as c.3578C>T), located in coding exon 10 of the WNK1 gene, results from a C to T substitution at nucleotide position 3578. The serine at codon 1193 is replaced by phenylalanine, an amino acid with highly dissimilar properties. This amino acid position is not well conserved in available vertebrate species. In addition, this alteration is predicted to be tolerated by in silico analysis. Since supporting evidence is limited at this time, the clinical significance of this alteration remains unclear.

NM_213655.5(WNK1):c.3578C>T (p.Ser1193Phe)

Gene: WNK1 (WNK lysine deficient protein kinase 1; plus strand). Cytogenetic location: 12p13.33.
Variant type: single nucleotide variant.
Coding change: c.3578C>T on transcript NM_213655.5 (MANE Plus Clinical); coding-DNA position 3578, C replaced by T.
Protein change: p.Ser1193Phe; replaces serine 1193 with phenylalanine.
Molecular consequence: missense variant. On other transcripts: intron variant (2).
Genome position (GRCh38, 1-based): chr12:869,049, C>T. VCF-style: chr12-869049-C-T. GRCh37 (hg19) VCF-style: chr12-978215-C-T.
Other names: c.3323C>T, p.Ser1108Phe (NM_001184985.2); c.2140-2216C>T (NM_018979.4, NM_014823.3); short protein forms S1193F, S1108F.
Identifiers: ClinVar variation 951201 (VCV000951201.11), dbSNP rs1951922743, ClinGen allele CA383342402.
Genomic context (GRCh38, chr12:869,049, plus strand): 5'-TGCCTCAGACAGTGTTACAAGAATCCCCACTTTTCTTCTGTTTCCCCCAAGGAACCACAT[C>T]TCAGCAGGTCTTAACTGCCTCATTTTCTTCAGGAGGATCTGCACTTCATCCACAGGTTAT-3'
Protein context (NP_998820.3, residues 1183-1203): LFFCFPQGTT[Ser1193Phe]QQVLTASFSS